The following is an entry in ClinVar:

NM_000094.4(COL7A1):c.8322C>T (p.Ala2774=)

Gene: COL7A1 (collagen type VII alpha 1 chain; minus strand). Cytogenetic location: 3p21.31.
Variant type: single nucleotide variant.
Coding change: c.8322C>T on transcript NM_000094.4 (MANE Select); coding-DNA position 8322, C replaced by T.
Protein change: p.Ala2774=; no amino-acid change (alanine 2774 retained).
Molecular consequence: synonymous variant.
Genome position (GRCh38, 1-based): chr3:48,566,546, G>A on the plus strand (C>T on the coding strand, the complement: COL7A1 is on the minus strand). VCF-style: chr3-48566546-G-A. GRCh37 (hg19) VCF-style: chr3-48603979-G-A.
Identifiers: ClinVar variation 738954 (VCV000738954.13), dbSNP rs142948995, ClinGen allele CA2378070.

ClinVar aggregate classification (germline): Likely benign. Review status: criteria provided, multiple submitters, no conflicts (2 of 4 stars). 4 submissions from 4 submitters: Likely benign (2). 2 of the submissions do not count toward it. Last evaluated 2026-01-24.

Conditions:
COL7A1-related disorder. Also called: COL7A1- related disorders; COL7A1-related condition.
Epidermolysis bullosa dystrophica inversa, autosomal recessive. Identifiers: MedGen C2673612.

Allele frequency attached by ClinVar (database versions not stated): gnomAD exomes 0.00004; TOPMed 0.00005; ExAC 0.00006; gnomAD 0.00006; ESP Exome Variant Server 0.00023.
gnomAD v4.1: 75 of 1,608,774 alleles (0.0047%); highest among the groups gnomAD compares: African/African-American, 0.013%; no homozygotes.

Submissions (4):

Labcorp Genetics (formerly Invitae), Labcorp
Classification: Likely benign. Last evaluated: 2026-01-24. Review status: criteria provided, single submitter. Criteria: Invitae Variant Classification Sherloc (09022015). Collection method: clinical testing. Allele origin: germline.

Blueprint Genetics
Classification: Likely benign. Last evaluated: 2024-10-14. Review status: criteria provided, single submitter. Criteria: ACMG Guidelines, 2015. Collection method: clinical testing. Allele origin: germline.

PreventionGenetics, part of Exact Sciences
Classification: Likely benign for COL7A1-related condition. Last evaluated: 2023-12-04. Review status: no assertion criteria provided. Collection method: clinical testing. Allele origin: germline. Not counted in ClinVar's aggregate classification.
Comment: This variant is classified as likely benign based on ACMG/AMP sequence variant interpretation guidelines (Richards et al. 2015 PMID: 25741868, with internal and published modifications).

Natera, Inc.
Classification: Likely benign for Autosomal recessive epidermolysis bullosa dystrophica inversa. Last evaluated: 2020-09-16. Review status: no assertion criteria provided. Collection method: clinical testing. Allele origin: germline. Not counted in ClinVar's aggregate classification.